The following is an entry in ClinVar:

ClinVar aggregate classification (germline): Conflicting classifications of pathogenicity. Review status: criteria provided, conflicting classifications (1 of 4 stars). 2 submissions from 2 submitters: Uncertain significance (1); Likely benign (1). Last evaluated 2023-03-23.

Conditions:
Hereditary cancer-predisposing syndrome. Also called: Hereditary Cancer Syndrome; Tumor predisposition; Hereditary neoplastic syndrome; Neoplastic Syndromes, Hereditary. Identifiers: Orphanet 140162, MedGen C0027672, MeSH D009386, MONDO:0015356.
Hereditary breast ovarian cancer syndrome. Also called: Hereditary breast and ovarian cancer syndrome (HBOC); Breast and ovarian cancer; Hereditary breast and ovarian cancer syndrome; Hereditary breast and ovarian cancer; Hereditary breast and/or ovarian cancer syndrome; BRCA1- and BRCA2-Associated Hereditary Breast and Ovarian Cancer. Identifiers: Orphanet 145, MedGen C0677776, MeSH D061325, MONDO:0003582. Disease mechanism: loss of function.

Submissions (2):

University of Washington Department of Laboratory Medicine, University of Washington
Classification: Likely benign for Hereditary cancer-predisposing syndrome. Last evaluated: 2023-03-23. Review status: criteria provided, single submitter. Criteria: Dines et al. (Genet Med. 2020). Collection method: curation. Allele origin: germline.
Comment: Missense variant in a coldspot region where missense variants are very unlikely to be pathogenic (PMID:31911673).

BRCA2 exon 11 coldspot. Reclassification based on statistical prior probability.

Labcorp Genetics (formerly Invitae), Labcorp
Classification: Uncertain significance for Hereditary breast ovarian cancer syndrome. Last evaluated: 2020-01-23. Review status: criteria provided, single submitter. Criteria: Invitae Variant Classification Sherloc (09022015). Collection method: clinical testing. Allele origin: germline.
Comment: In summary, the available evidence is currently insufficient to determine the role of this variant in disease. Therefore, it has been classified as a Variant of Uncertain Significance. Algorithms developed to predict the effect of missense changes on protein structure and function are either unavailable or do not agree on the potential impact of this missense change (SIFT: "Tolerated"; PolyPhen-2: "Possibly Damaging"; Align-GVGD: "Class C0"). This variant has not been reported in the literature in individuals with BRCA2-related conditions. This variant is not present in population databases (ExAC no frequency). This sequence change replaces isoleucine with methionine at codon 2149 of the BRCA2 protein (p.Ile2149Met). The isoleucine residue is weakly conserved and there is a small physicochemical difference between isoleucine and methionine.

NM_000059.4(BRCA2):c.6447T>G (p.Ile2149Met)

Gene: BRCA2 (BRCA2 DNA repair associated; plus strand). Cytogenetic location: 13q13.1.
Variant type: single nucleotide variant.
Coding change: c.6447T>G on transcript NM_000059.4 (MANE Select); coding-DNA position 6447, T replaced by G.
Protein change: p.Ile2149Met; replaces isoleucine 2149 with methionine.
Molecular consequence: missense variant.
Genome position (GRCh38, 1-based): chr13:32,340,802, T>G. VCF-style: chr13-32340802-T-G. GRCh37 (hg19) VCF-style: chr13-32914939-T-G.
Other names: short protein forms I2149M.
Identifiers: ClinVar variation 1040627 (VCV001040627.13), dbSNP rs1593908723, ClinGen allele CA387789323.